The following is an entry in ClinVar:

NM_001267550.2(TTN):c.19995A>T (p.Glu6665Asp)

Genes: TTN (titin; minus strand), LOC126806429 (BRD4-independent group 4 enhancer GRCh37_chr2:179591393-179592592; plus strand). Cytogenetic location: 2q31.2.
Variant type: single nucleotide variant.
Coding change: c.19995A>T on transcript NM_001267550.2 (MANE Select); coding-DNA position 19995, A replaced by T.
Protein change: p.Glu6665Asp; replaces glutamic acid 6665 with aspartic acid.
Molecular consequence: missense variant. On other transcripts: intron variant (3).
Genome position (GRCh38, 1-based): chr2:178,727,370, T>A on the plus strand (A>T on the coding strand, the complement: TTN is on the minus strand). VCF-style: chr2-178727370-T-A. GRCh37 (hg19) VCF-style: chr2-179592097-T-A.
Other names: c.19044A>T, p.Glu6348Asp (NM_001256850.1); c.16263A>T, p.Glu5421Asp (NM_133378.4); c.13282+10712A>T (NM_003319.4); c.13858+10712A>T (NM_133437.4); c.13657+10712A>T (NM_133432.3); short protein forms E5421D, E6665D, E6348D.
Identifiers: ClinVar variation 192020 (VCV000192020.21), dbSNP rs146828735, ClinGen allele CA238120.

ClinVar aggregate classification (germline): Conflicting classifications of pathogenicity. Review status: criteria provided, conflicting classifications (1 of 4 stars). 9 submissions from 5 submitters: Uncertain significance (5); Benign (2); Likely benign (2). Last evaluated 2026-02-01.

Conditions:
Dilated cardiomyopathy 1G (CMD1G). Identifiers: Orphanet 154, MedGen C1858763, MONDO:0011400, OMIM 604145.
Autosomal recessive limb-girdle muscular dystrophy type 2J (LGMDR10). Also called: MUSCULAR DYSTROPHY, LIMB-GIRDLE, AUTOSOMAL RECESSIVE 10; Limb-girdle muscular dystrophy, type 2J. Identifiers: Orphanet 140922, MedGen C1837342, MONDO:0012127, OMIM 608807.
Myopathy, myofibrillar, 9, with early respiratory failure (MFM9). Also called: EDSTROM MYOPATHY; MYOPATHY, PROXIMAL, WITH EARLY RESPIRATORY MUSCLE INVOLVEMENT; Myopathy, distal, with early respiratory failure, autosomal dominant; Hereditary myopathy with early respiratory failure. Identifiers: Orphanet 178464, Orphanet 34521, MedGen C1863599, MONDO:0011362, OMIM 603689.
Early-onset myopathy with fatal cardiomyopathy (CMYO5). Also called: CONGENITAL MYOPATHY 5 WITH CARDIOMYOPATHY; Salih Myopathy. Identifiers: Orphanet 289377, MedGen C2673677, MONDO:0012714, OMIM 611705. Disease mechanism: loss of function.
Tibial muscular dystrophy (TMD). Also called: UDD MYOPATHY; Tibial muscular dystrophy, tardive; Udd Distal Myopathy – Tibial Muscular Dystrophy. Identifiers: Orphanet 609, MedGen C1838244, MONDO:0010870, OMIM 600334.

Allele frequency attached by ClinVar (database versions not stated): gnomAD 0.00002 and 0.00007; TOPMed 0.00003; gnomAD exomes 0.00007 and 0.00011; ExAC 0.00008; 1000 Genomes Project 30x 0.00031; 1000 Genomes Project 0.00040.
gnomAD v4.1: 168 of 1,583,818 alleles (0.011%); highest among the groups gnomAD compares: East Asian, 0.38%; 2 homozygotes.

Submissions (9):

Labcorp Genetics (formerly Invitae), Labcorp
Classification: Likely benign for Dilated cardiomyopathy 1G; Autosomal recessive limb-girdle muscular dystrophy type 2J. Last evaluated: 2026-02-01. Review status: criteria provided, single submitter. Criteria: Invitae Variant Classification Sherloc (09022015). Collection method: clinical testing. Allele origin: germline.

Revvity Omics, Revvity
Classification: Uncertain significance. Last evaluated: 2019-11-08. Review status: criteria provided, single submitter. Criteria: ACMG Guidelines, 2015. Collection method: clinical testing. Allele origin: germline.

GeneDx
Classification: Likely benign. Last evaluated: 2019-05-08. Review status: criteria provided, single submitter. Criteria: GeneDx Variant Classification Process June 2021. Collection method: clinical testing. Allele origin: germline. Affected: yes.

Illumina Laboratory Services, Illumina
Classification: Benign for Tibial muscular dystrophy. Last evaluated: 2017-06-07. Review status: criteria provided, single submitter. Criteria: ICSL Variant Classification Criteria 13 December 2019. Collection method: clinical testing. Allele origin: germline.
Comment: This variant was observed as part of a predisposition screen in an ostensibly healthy population. A literature search was performed for the gene, cDNA change, and amino acid change (where applicable). No publications were found based on this search. Allele frequency data from public databases was too high to be consistent with this variant causing disease. Therefore, this variant is classified as benign.

Illumina Laboratory Services, Illumina
Classification: Benign for Myopathy, myofibrillar, 9, with early respiratory failure. Last evaluated: 2017-06-07. Review status: criteria provided, single submitter. Criteria: ICSL Variant Classification Criteria 13 December 2019. Collection method: clinical testing. Allele origin: germline.
Comment: the same text as in the submission from Illumina Laboratory Services, Illumina above.

Illumina Laboratory Services, Illumina
Classification: Uncertain significance for Dilated cardiomyopathy 1G. Last evaluated: 2017-04-27. Review status: criteria provided, single submitter. Criteria: ICSL Variant Classification Criteria 13 December 2019. Collection method: clinical testing. Allele origin: germline.

Illumina Laboratory Services, Illumina
Classification: Uncertain significance for Early-onset myopathy with fatal cardiomyopathy. Last evaluated: 2017-04-27. Review status: criteria provided, single submitter. Criteria: ICSL Variant Classification Criteria 13 December 2019. Collection method: clinical testing. Allele origin: germline.

Illumina Laboratory Services, Illumina
Classification: Uncertain significance for Autosomal recessive limb-girdle muscular dystrophy type 2J. Last evaluated: 2017-04-27. Review status: criteria provided, single submitter. Criteria: ICSL Variant Classification Criteria 13 December 2019. Collection method: clinical testing. Allele origin: germline.

Biesecker Lab/Clinical Genomics Section, National Institutes of Health
Classification: Uncertain significance. Last evaluated: 2013-06-24. Review status: criteria provided, single submitter. Criteria: Ng et al. (Circ Cardiovasc Genet. 2013). Collection method: research. Allele origin: unknown. Observed: 1 variant allele. Study: ClinSeq.
Comment: The study set was not selected for affection status in relation to any cancer. Pathogenicity categories were based on literature curation. See Pubmed ID:23861362 for details.

Medical sequencing